The following is an entry in ClinVar:

NM_018082.6(POLR3B):c.1857-21C>T

Gene: POLR3B (RNA polymerase III subunit B; plus strand). Cytogenetic location: 12q23.3.
Variant type: single nucleotide variant.
Coding change: c.1857-21C>T on transcript NM_018082.6 (MANE Select); 21 bases into the intron before coding-DNA position 1857, C replaced by T.
Molecular consequence: intron variant.
Genome position (GRCh38, 1-based): chr12:106,437,660, C>T. VCF-style: chr12-106437660-C-T. GRCh37 (hg19) VCF-style: chr12-106831438-C-T.
Other names: c.1683-21C>T (NM_001160708.2).
Identifiers: ClinVar variation 3033444 (VCV003033444.2), dbSNP rs908941092, ClinGen allele CA607222753.
Genomic context (GRCh38, chr12:106,437,660, plus strand): 5'-AAGCCAGTATCTCCTGTTATTATATAAAATACTGCAGAAAAATGCTTTTTAATGATGTCT[C>T]TTTCACCAATATTTTCCCAGGAATTTTGAAGATTTCTTACATGAGAGTCTGGTTGAATAT-3'

ClinVar aggregate classification (germline): Likely benign (0 of 4 stars; one submission).

Conditions:
POLR3B-related disorder. Also called: POLR3B-related condition; POLR3B-related disorders. Identifiers: MedGen CN378588, MONDO:0700277.

gnomAD v4.1: 4 of 1,396,968 alleles (0.00029%); highest among the groups gnomAD compares: Non-Finnish European, 0.00041%; no homozygotes.

Submission:

PreventionGenetics, part of Exact Sciences
Classification: Likely benign for POLR3B-related condition. Last evaluated: 2019-06-13. Review status: no assertion criteria provided. Collection method: clinical testing. Allele origin: germline.
Comment: This variant is classified as likely benign based on ACMG/AMP sequence variant interpretation guidelines (Richards et al. 2015 PMID: 25741868, with internal and published modifications).